The following is an entry in ClinVar:

ClinVar aggregate classification (germline): Uncertain significance (1 of 4 stars; one submission).

gnomAD v4.1: 9 of 1,613,420 alleles (0.00056%); highest among the groups gnomAD compares: African/African-American, 0.004%; no homozygotes.

Submission:

GeneDx
Classification: Uncertain significance. Last evaluated: 2026-02-18. Review status: criteria provided, single submitter. Criteria: GeneDx Variant Classification Process June 2021. Collection method: clinical testing. Allele origin: germline.
Comment: In silico analysis suggests that this missense variant does not alter protein structure/function; Has not been previously published as pathogenic or benign to our knowledge

NM_015465.5(GEMIN5):c.3850C>T (p.Arg1284Cys)

Gene: GEMIN5 (gem nuclear organelle associated protein 5; minus strand). Cytogenetic location: 5q33.2.
Variant type: single nucleotide variant.
Coding change: c.3850C>T on transcript NM_015465.5 (MANE Select); coding-DNA position 3850, C replaced by T.
Protein change: p.Arg1284Cys; replaces arginine 1284 with cysteine.
Molecular consequence: missense variant.
Genome position (GRCh38, 1-based): chr5:154,891,653, G>A on the plus strand (C>T on the coding strand, the complement: GEMIN5 is on the minus strand). VCF-style: chr5-154891653-G-A. GRCh37 (hg19) VCF-style: chr5-154271213-G-A.
Other names: c.3847C>T, p.Arg1283Cys (NM_001252156.2); short protein forms R1283C, R1284C.
Identifiers: ClinVar variation 4975919 (VCV004975919.1).